The following is an entry in ClinVar:

NM_001010892.3(RSPH4A):c.1453C>T (p.Arg485Ter)

Gene: RSPH4A (radial spoke head component 4A; plus strand). Cytogenetic location: 6q22.1.
Variant type: single nucleotide variant.
Coding change: c.1453C>T on transcript NM_001010892.3 (MANE Select); coding-DNA position 1453, C replaced by T.
Protein change: p.Arg485Ter; replaces arginine 485 with a stop codon.
Molecular consequence: nonsense.
Genome position (GRCh38, 1-based): chr6:116,628,160, C>T. VCF-style: chr6-116628160-C-T. GRCh37 (hg19) VCF-style: chr6-116949323-C-T.
Other names: c.1453C>T, p.Arg485Ter (NM_001161664.2); short protein forms R485*.
Identifiers: ClinVar variation 454521 (VCV000454521.13), dbSNP rs1034327724, ClinGen allele CA145927295.

ClinVar aggregate classification (germline): Pathogenic. Review status: criteria provided, multiple submitters, no conflicts (2 of 4 stars). 4 submissions from 4 submitters: Pathogenic (4). Last evaluated 2024-11-19.

Conditions:
Primary ciliary dyskinesia. Also called: Ciliary dyskinesia. Identifiers: Orphanet 244, MedGen C0008780, MONDO:0016575, HP:0012265.
Primary ciliary dyskinesia 11. Also called: CILIARY DYSKINESIA, PRIMARY, 11, WITHOUT SITUS INVERSUS. Identifiers: Orphanet 244, MedGen C2675229, MONDO:0012978, OMIM 612649.

Allele frequency attached by ClinVar (database versions not stated): gnomAD exomes 0.00001; gnomAD 0.00002; TOPMed 0.00003.

Submissions (4):

Labcorp Genetics (formerly Invitae), Labcorp
Classification: Pathogenic for Primary ciliary dyskinesia. Last evaluated: 2024-11-19. Review status: criteria provided, single submitter. Criteria: Invitae Variant Classification Sherloc (09022015). Collection method: clinical testing. Allele origin: germline.
Comment: This sequence change creates a premature translational stop signal (p.Arg485*) in the RSPH4A gene. It is expected to result in an absent or disrupted protein product. Loss-of-function variants in RSPH4A are known to be pathogenic (PMID: 19200523). This variant is present in population databases (no rsID available, gnomAD 0.002%). This premature translational stop signal has been observed in individual(s) with primary ciliary dyskinesia (PMID: 32253119). ClinVar contains an entry for this variant (Variation ID: 454521). For these reasons, this variant has been classified as Pathogenic.

GeneDx
Classification: Pathogenic. Last evaluated: 2024-06-24. Review status: criteria provided, single submitter. Criteria: GeneDx Variant Classification Process June 2021. Collection method: clinical testing. Allele origin: germline. Affected: yes.
Comment: Nonsense variant predicted to result in protein truncation or nonsense mediated decay in a gene for which loss of function is a known mechanism of disease; Not observed at significant frequency in large population cohorts (gnomAD); This variant is associated with the following publications: (PMID: 32253119)

Victorian Clinical Genetics Services, Murdoch Childrens Research Institute
Classification: Pathogenic for Primary ciliary dyskinesia 11. Last evaluated: 2021-05-06. Review status: criteria provided, single submitter. Criteria: ACMG Guidelines, 2015. Collection method: clinical testing. Allele origin: germline. Inheritance: Autosomal recessive inheritance. Affected: no.
Comment: Based on the classification scheme VCGS_Germline_v1.3.4, this variant is classified as Pathogenic. Following criteria are met: 0102 - Loss of function is a known mechanism of disease in this gene and is associated with primary ciliary dyskinesia (MIM#612649). (I) 0106 - This gene is associated with autosomal recessive disease. (I) 0201 - Variant is predicted to cause nonsense-mediated decay (NMD) and loss of protein (premature termination codon is located at least 54 nucleotides upstream of the final exon-exon junction). (SP) 0251 - This variant is heterozygous. (I) 0304 - Variant is present in gnomAD <0.01 for a recessive condition (3 heterozygotes, 0 homozygotes). (SP) 0701 - Other NMD-predicted variants comparable to the one identified in this case have very strong previous evidence for pathogenicity. Variants predicted to result in NMD in this gene have been reported in multiple affected individuals (ClinVar, PMID: 25789548). (SP) 0803 - This variant has limited previous evidence of pathogenicity in an unrelated individual. This variant has been reported as pathogenic in the ClinVar database and homozygous in two siblings with primary ciliary dyskinesia (PMID: 32253119). (SP) 0905 - No published segregation evidence has been identified for this variant. (I) 1007 - No published functional evidence has been identified for this variant. (I) 1208 - Inheritance information for this variant is not currently available in this individual. (I) Legend: (SP) - Supporting pathogenic, (I) - Information, (SB) - Supporting benign

Juno Genomics, Hangzhou Juno Genomics, Inc
Classification: Pathogenic for Primary ciliary dyskinesia 11. Review status: criteria provided, single submitter. Criteria: ACMG Guidelines, 2015. Collection method: clinical testing. Allele origin: germline.
Comment: Absent from controls (or at extremely low frequency if recessive) in Genome Aggregation Database.;Null variant in a gene where loss of function (LOF) is a known mechanism of disease.;For recessive disorders, detected in trans with a pathogenic variant.;Patient's phenotype or family history is highly specific for a disease with a single genetic etiology.

Literature cited by the submitters: PubMed 19200523 (cited by Labcorp Genetics (formerly Invitae), Labcorp); PubMed 32253119 (cited by Labcorp Genetics (formerly Invitae), Labcorp and Victorian Clinical Genetics Services, Murdoch Childrens Research Institute); PubMed 25789548 (cited by Victorian Clinical Genetics Services, Murdoch Childrens Research Institute).